The following is an entry in ClinVar:

ClinVar aggregate classification (germline): Uncertain significance (1 of 4 stars; one submission).

Allele frequency attached by ClinVar (database versions not stated): gnomAD exomes below 0.00001.
gnomAD v4.1: 2 of 1,613,356 alleles (0.00012%); highest among the groups gnomAD compares: Non-Finnish European, 0.00017%; no homozygotes.

Submission:

Labcorp Genetics (formerly Invitae), Labcorp
Classification: Uncertain significance. Last evaluated: 2022-08-05. Review status: criteria provided, single submitter. Criteria: Invitae Variant Classification Sherloc (09022015). Collection method: clinical testing. Allele origin: germline.
Comment: In summary, the available evidence is currently insufficient to determine the role of this variant in disease. Therefore, it has been classified as a Variant of Uncertain Significance. Algorithms developed to predict the effect of missense changes on protein structure and function are either unavailable or do not agree on the potential impact of this missense change (SIFT: "Deleterious"; PolyPhen-2: "Possibly Damaging"; Align-GVGD: "Class C0"). This variant has not been reported in the literature in individuals affected with ADGRV1-related conditions. This variant is not present in population databases (gnomAD no frequency). This sequence change replaces asparagine, which is neutral and polar, with aspartic acid, which is acidic and polar, at codon 259 of the ADGRV1 protein (p.Asn259Asp).

NM_032119.4(ADGRV1):c.775A>G (p.Asn259Asp)

Gene: ADGRV1 (adhesion G protein-coupled receptor V1; plus strand). Cytogenetic location: 5q14.3.
Variant type: single nucleotide variant.
Coding change: c.775A>G on transcript NM_032119.4 (MANE Select); coding-DNA position 775, A replaced by G.
Protein change: p.Asn259Asp; replaces asparagine 259 with aspartic acid.
Molecular consequence: missense variant. On other transcripts: non-coding transcript variant (1).
Genome position (GRCh38, 1-based): chr5:90,627,313, A>G. VCF-style: chr5-90627313-A-G. GRCh37 (hg19) VCF-style: chr5-89923130-A-G.
Other names: short protein forms N259D.
Identifiers: ClinVar variation 1958426 (VCV001958426.5), dbSNP rs2531809140, ClinGen allele CA360365773.
Genomic context (GRCh38, chr5:90,627,313, plus strand): 5'-GTAGAAGGAGGAGCTGAGATTAACACCTCTAGGAATTCCATTGAGATCATCATTAAGAAA[A>G]ATGATAGTCCCGTGAGATTCCTTCAGAGTATTTATTTGGTTCCTGAGGAAGACCACATAC-3'
Protein context (NP_115495.3, residues 249-269): RNSIEIIIKK[Asn259Asp]DSPVRFLQSI